The following is an entry in ClinVar:

NM_000372.5(TYR):c.950A>C (p.Asp317Ala)

Gene: TYR (tyrosinase; plus strand). Cytogenetic location: 11q14.3.
Variant type: single nucleotide variant.
Coding change: c.950A>C on transcript NM_000372.5 (MANE Select); coding-DNA position 950, A replaced by C.
Protein change: p.Asp317Ala; replaces aspartic acid 317 with alanine.
Molecular consequence: missense variant.
Genome position (GRCh38, 1-based): chr11:89,191,332, A>C. VCF-style: chr11-89191332-A-C. GRCh37 (hg19) VCF-style: chr11-88924500-A-C.
Other names: short protein forms D317A.
Identifiers: ClinVar variation 3344693 (VCV003344693.1).

ClinVar aggregate classification (germline): Likely pathogenic (0 of 4 stars; one submission).

Conditions:
TYR-related disorder. Also called: TYR-related condition.

Submission:

PreventionGenetics, part of Exact Sciences
Classification: Likely pathogenic for TYR-related condition. Last evaluated: 2024-08-14. Review status: no assertion criteria provided. Collection method: clinical testing. Allele origin: germline.
Comment: The TYR c.950A>C variant is predicted to result in the amino acid substitution p.Asp317Ala. To our knowledge, this variant has not been reported in the literature or in a large population database, indicating this variant is rare. An alternate substitution of this amino acid (p.Asp317Val) has been reported in an individual with albinism (Mauri et al. 2017. PubMed ID: 27734839). Given the evidence, we interpret this variant as likely pathogenic.